The following is an entry in ClinVar:

NM_001845.6(COL4A1):c.1670G>C (p.Arg557Thr)

Gene: COL4A1 (collagen type IV alpha 1 chain; minus strand). Cytogenetic location: 13q34.
Variant type: single nucleotide variant.
Coding change: c.1670G>C on transcript NM_001845.6 (MANE Select); coding-DNA position 1670, G replaced by C.
Protein change: p.Arg557Thr; replaces arginine 557 with threonine.
Molecular consequence: missense variant.
Genome position (GRCh38, 1-based): chr13:110,187,196, C>G on the plus strand (G>C on the coding strand, the complement: COL4A1 is on the minus strand). VCF-style: chr13-110187196-C-G. GRCh37 (hg19) VCF-style: chr13-110839543-C-G.
Other names: short protein forms R557T.
Identifiers: ClinVar variation 1878565 (VCV001878565.1), dbSNP rs781701789, ClinGen allele CA7047862.

ClinVar aggregate classification (germline): Uncertain significance (1 of 4 stars; one submission).

Conditions:
Brain small vessel disease 1 with or without ocular anomalies (BSVD1). Also called: PORENCEPHALY, TYPE 1, AUTOSOMAL DOMINANT; GOULD SYNDROME 1; Brain small vessel disease with or without ocular anomalies; BRAIN SMALL VESSEL DISEASE WITH HEMORRHAGE. Identifiers: Orphanet 2940, Orphanet 36383, Orphanet 99810, MedGen C4755307, MONDO:0008289, OMIM 175780.

Allele frequency attached by ClinVar (database versions not stated): ExAC 0.00001; gnomAD exomes 0.00001.
gnomAD v4.1: 8 of 1,614,018 alleles (0.0005%); highest among the groups gnomAD compares: South Asian, 0.0077%; no homozygotes.

Submission:

Neuberg Centre For Genomic Medicine, NCGM
Classification: Uncertain significance for Brain small vessel disease 1 with or without ocular anomalies. Review status: criteria provided, single submitter. Criteria: ACMG Guidelines, 2015. Collection method: clinical testing. Allele origin: germline. Affected: yes.
Comment: The missense variant in c.1670G>C (p.Arg557Thr) in COL4A1 gene has not been reported previously as a pathogenic variant nor as a benign variant, to our knowledge. The p.Arg557Thr variant is novel (not in any individuals) in gnomAD Exomes and 1000 Genomes. The amino acid Arg at position 557 is changed to a Thr changing protein sequence and it might alter its composition and physico-chemical properties. The variant is predicted to be damaging by PolyPhen2 and the residue is conserved across species. The amino acid change p.Arg557Thr in COL4A1 is predicted as conserved by GERP++ and PhyloP across 100 vertebrates. For these reasons, this variant has been classified as Uncertain Significance